The following is an entry in ClinVar:

ClinVar aggregate classification (germline): Uncertain significance (1 of 4 stars; one submission).

Submission:

CeGaT Center for Human Genetics Tuebingen
Classification: Uncertain significance. Last evaluated: 2022-09-01. Review status: criteria provided, single submitter. Criteria: CeGaT Center For Human Genetics Tuebingen Variant Classification Criteria Version 2. Collection method: clinical testing. Allele origin: germline. Affected: yes. Observed: 1 variant allele.
Comment: ACTG1: PM2, PP2, PP3

NM_001614.5(ACTG1):c.890C>T (p.Thr297Met)

Gene: ACTG1 (actin gamma 1; minus strand). Cytogenetic location: 17q25.3.
Variant type: single nucleotide variant.
Coding change: c.890C>T on transcript NM_001614.5 (MANE Select); coding-DNA position 890, C replaced by T.
Protein change: p.Thr297Met; replaces threonine 297 with methionine.
Molecular consequence: missense variant. On other transcripts: non-coding transcript variant (1).
Genome position (GRCh38, 1-based): chr17:81,511,021, G>A on the plus strand (C>T on the coding strand, the complement: ACTG1 is on the minus strand). VCF-style: chr17-81511021-G-A. GRCh37 (hg19) VCF-style: chr17-79478047-G-A.
Other names: c.890C>T, p.Thr297Met (NM_001199954.3); short protein forms T297M.
Identifiers: ClinVar variation 1711448 (VCV001711448.30), dbSNP rs1555666492, ClinGen allele CA401459143.